The following is an entry in ClinVar:

NC_012920.1(MT-ND3):m.10191T>C

Gene: MT-ND3 (mitochondrially encoded NADH dehydrogenase 3; plus strand).
Variant type: single nucleotide variant.
Genome position: chrM-10191-T-C.
Other names: S45P.
Identifiers: ClinVar variation 9712 (VCV000009712.10), dbSNP rs267606890, ClinGen allele CA120637.

ClinVar aggregate classification (germline): Pathogenic. Review status: reviewed by expert panel (3 of 4 stars). 7 submissions from 7 submitters: Pathogenic (1). 6 of the submissions do not count toward it. Last evaluated 2022-08-23.

Conditions:
Mitochondrial complex I deficiency, mitochondrial type 1. Also called: Mitochondrial complex 1 deficiency, mitochondrial type 1. Identifiers: MedGen C4746992, MONDO:0027068, OMIM 500014.
Primary Mitochondrial Disorders. Identifiers: MedGen CN381104.
Leigh syndrome, mitochondrial. Identifiers: MedGen CN377802, MONDO:0970944, OMIM 500017.
Mitochondrial complex I deficiency. Also called: NADH:Q(1) OXIDOREDUCTASE DEFICIENCY. Identifiers: Orphanet 2609, MedGen C1838979, MeSH C537475, MONDO:0100133.
Mitochondrial disease. Also called: Mitochondrial disorders; Mitochondrial disorder. Identifiers: Orphanet 68380, MedGen C0751651, MeSH D028361, MONDO:0044970.
Leigh syndrome (NULS). Also called: Leigh Disease; Leigh's syndrome; Leigh Syndrome (mtDNA deletion); LEIGH SYNDROME, NUCLEAR; Subacute necrotizing encephalopathy; Necrotizing encephalopathy infantile subacute of Leigh. Identifiers: Orphanet 506, MedGen C2931891, MONDO:0009723, OMIM 256000.

Submissions (7):

ClinGen Mitochondrial Disease Nuclear and Mitochondrial  Variant Curation Expert Panel, ClinGen
Classification: Pathogenic for Mitochondrial disease. Last evaluated: 2022-08-23. Review status: reviewed by expert panel. Criteria: clingen mito disease acmg specifications v1-1. Collection method: curation. Allele origin: germline. Inheritance: Mitochondrial inheritance.
Comment: The m.10191T>C (p.S45P) variant in MT-ND3 has been reported in at least 30 unrelated individuals with primary mitochondrial disease. Of note, to our knowledge, all reported individuals have been the only affected person in the family. Affected individuals had variable ages of onset (birth to 20s) and outcomes (death in first month of life to alive in 20s at the time of report). Features included Leigh syndrome, MELAS-like syndrome, and Leigh/MELAS overlap, as well as epilepsia partialis continua (EPC) and optic atrophy. Heteroplasmy levels ranged from 13%-100% in affected individuals (PS4; PMIDs: 11456298, 14684687, 15576045, 14705112, 16044424, 16023078, 17535832, 18078792, 19135620, 19617458, 19520270, 20691940, 20226758, 20972245, 22364517, 28429146, 27450679, 30128709, 31261379). There is one report of this variant segregating with disease features as a healthy mother of a proband had the variant present at 3% in blood (PMID: 11456298), however this does not meet criteria to apply PP1_supporting (at least two segregations). This variant was seen in the mother’s blood in two other families (36% heteroplasmy in PMID: 16044424; 5% in mother’s blood and undetectable in maternal grandmother’s blood in PMID: 16023078), however no clinical details were provided on these family members to know if they were healthy or affected. There are at least six reports of de novo occurrences of this variant (PM6_strong; PMIDs: 14705112, 18078792, 19520270, 22364517, 27450679). This variant is absent in the GenBank dataset, Helix dataset, and gnomAD v3.1.2 (PM2_supporting). Cybrid studies supported the functional impact of this variant (PS3_supporting; PMID: 14705112). The computational predictor APOGEE gives a consensus rating of pathogenic with a score of 0.95 (Min=0, Max=1), which predicts a damaging effect on gene function (PP3). In summary, this variant meets criteria to be classified as pathogenic for primary mitochondrial disease inherited in a mitochondrial manner. This classification was approved by the NICHD/NINDS U24 Mitochondrial Disease Variant Curation Expert Panel on August 23, 2022. Mitochondrial DNA-specific ACMG/AMP criteria applied (PMID: 32906214): PM2_supporting, PP3, PS3_supporting, PM6_strong, PS4.

Variantyx, Inc.
Classification: Likely pathogenic for Primary mitochondrial disorders. Last evaluated: 2025-06-27. Review status: criteria provided, single submitter. Criteria: Variantyx Assertion Criteria 2022. Collection method: clinical testing. Allele origin: germline. Not counted in ClinVar's aggregate classification.
Comment: The m.10191T>C, c.133T>C, p.Ser45Pro change is a nonsynonymous single nucleotide variant in the MT-ND3 gene. Pathogenic variants in this gene have been associated with primary mitochondrial disorders. This variant has been reported in several unrelated affected individuals diagnosed with Leigh syndrome, MELAS-like syndrome, and optic atrophy, among others (PMID: 11456298, 14684687, 14705112, 15576045, 37196589, 16044424, 17152068, 17535832, 19617458, 21850008, 27450679) (PS4). Functional studies support a deleterious effect for this variant (PMID: 14705112) (PS3). This variant is absent from control populations (PM2). Other reputable laboratories have reported this variant as pathogenic or likely pathogenic, and this classification has been validated by an expert panel in ClinVar (PP5). Computational algorithms produce conflicting evidence regarding the predicted functional impact of this variant (Aggregate Predicted Severity: 0.43). Based on the current evidence, this variant is classified as likely pathogenic for primary mitochondrial disorders.The clinical presentation associated with pathogenic mitochondrial variants is highly variable and depends on their tissue distribution and percentage of heteroplasmy. In general, heteroplasmy levels of mitochondrial variants associated with disease may be elevated significantly in different tissue types, such as fibroblasts, muscle, kidneys, eyes, and liver (PMID: 33814365, 24846800).

Clinical Genetics Laboratory, University Hospital Schleswig-Holstein
Classification: Pathogenic for Leigh syndrome, mitochondrial. Last evaluated: 2025-05-23. Review status: criteria provided, single submitter. Criteria: ACMG Guidelines, 2015. Collection method: clinical testing. Allele origin: germline. Affected: yes. Not counted in ClinVar's aggregate classification.
Comment: ACMG criteria applied: PM2, PS4, PS3_Supporting, PM6_Strong

Wong Mito Lab, Molecular and Human Genetics, Baylor College of Medicine
Classification: Pathogenic for Leigh syndrome. Last evaluated: 2019-10-17. Review status: criteria provided, single submitter. Criteria: Modified ACMG Guidelines (Unpublished). Collection method: clinical testing. Allele origin: germline. Not counted in ClinVar's aggregate classification.
Comment: The NC_012920.1:m.10191T>C (YP_003024033.1:p.Ser45Pro) variant in MTND3 gene is interpretated to be a Pathogenic variant based on the modified ACMG guidelines (unpublished). This variant meets the following evidence codes: PS1, PM9, PM10, PP4, PP6

OMIM
Classification: Pathogenic for MITOCHONDRIAL COMPLEX I DEFICIENCY, MITOCHONDRIAL TYPE 1. Last evaluated: 2004-01-01. Review status: no assertion criteria provided. Collection method: literature only. Allele origin: germline. Not counted in ClinVar's aggregate classification.

GeneReviews
No classification provided. Condition: Leigh syndrome. Review status: no classification provided. Collection method: literature only. Allele origin: germline. Not counted in ClinVar's aggregate classification.

Genomics England Pilot Project, Genomics England
Classification: Likely pathogenic for Mitochondrial complex I deficiency. Review status: no assertion criteria provided. Criteria: ACGS Guidelines, 2016. Collection method: clinical testing. Allele origin: germline. Affected: yes. Not counted in ClinVar's aggregate classification.

Literature cited by the submitters: PubMed 11456298 (cited by Wong Mito Lab, Molecular and Human Genetics, Baylor College of Medicine and OMIM); PubMed 17535832 (cited by Wong Mito Lab, Molecular and Human Genetics, Baylor College of Medicine); PubMed 14705112 (cited by OMIM); NCBI Bookshelf NBK1173 (cited by GeneReviews).